The following is an entry in ClinVar:

NM_005068.3(SIM1):c.2064del (p.Gly689fs)

Gene: SIM1 (SIM bHLH transcription factor 1; minus strand). Cytogenetic location: 6q16.3.
Variant type: Deletion.
Coding change: c.2064del on transcript NM_005068.3 (MANE Select); coding-DNA position 2064, one base deleted (A; older notation c.2064delA).
Protein change: p.Gly689fs; shifts the reading frame from glycine 689.
Molecular consequence: frameshift variant.
Genome position (GRCh38, 1-based): chr6:100,390,598, T deleted on the plus strand (A on the coding strand, the reverse complement: SIM1 is on the minus strand). VCF-style (leftmost placement, unchanged base first): chr6-100390597-CT-C. GRCh37 (hg19) VCF-style: chr6-100838473-CT-C.
Other names: c.2064del, p.Gly689fs (NM_001374769.1); short protein forms G689fs.
Identifiers: ClinVar variation 4983362 (VCV004983362.1).

ClinVar aggregate classification (germline): Uncertain significance (1 of 4 stars; one submission).

Conditions:
SIM1-related disorder. Also called: SIM1-related disorders; SIM1-related condition.

Submission:

PreventionGenetics, part of Exact Sciences
Classification: Uncertain significance for SIM1-related condition. Last evaluated: 2025-04-24. Review status: criteria provided, single submitter. Criteria: ACMG Guidelines, 2015. Collection method: clinical testing. Allele origin: germline.
Comment: The SIM1 c.2064delA variant is predicted to result in a frameshift and premature protein termination (p.Gly689Glufs*25). To our knowledge, this variant has not been reported in the literature. This variant is reported in 0.0062% of alleles in individuals of European (Non-Finnish) descent in gnomAD. Although we suspect that this variant may be pathogenic, at this time, the clinical significance of this variant is uncertain due to the absence of conclusive functional and genetic evidence.